The following is an entry in ClinVar:

ClinVar aggregate classification (germline): Pathogenic. Review status: criteria provided, multiple submitters, no conflicts (2 of 4 stars). 4 submissions from 4 submitters: Pathogenic (2). 2 of the submissions do not count toward it. Last evaluated 2025-07-28.

Conditions:
Neuropathy, hereditary sensory and autonomic, type 2A (HSAN2A). Also called: MORVAN DISEASE; NEUROPATHY, CONGENITAL SENSORY; NEUROPATHY, HEREDITARY SENSORY RADICULAR, AUTOSOMAL RECESSIVE; NEUROPATHY, HEREDITARY SENSORY, TYPE IIA; NEUROPATHY, PROGRESSIVE SENSORY, OF CHILDREN; WNK1-Related HSAN2 (HSAN2A). Identifiers: Orphanet 970, MedGen C2752089, MONDO:0024309, OMIM 201300.
Pseudohypoaldosteronism type 2C (PHA2C). Also called: Pseudohypoaldosteronism Type IIC. Identifiers: Orphanet 757, Orphanet 88940, MedGen C1840391, MONDO:0013778, OMIM 614492.

Submissions (4):

Women's Health and Genetics/Laboratory Corporation of America, LabCorp
Classification: Pathogenic for Neuropathy, hereditary sensory and autonomic, type 2A. Last evaluated: 2025-07-28. Review status: criteria provided, single submitter. Criteria: LabCorp Variant Classification Summary - May 2015. Collection method: clinical testing. Allele origin: germline.
Comment: Variant summary: WNK1 NM_213655.5 c.3276dupA (p.Ser1093IlefsX13) results in a premature termination codon, predicted to cause a truncation of the encoded protein or absence of the protein due to nonsense mediated decay, which are commonly known mechanisms for disease. This variant, also annotated as WNK1 NM_018979 c.2140-2518dupA is located at a position not widely known to affect splicing. Consensus agreement among computation tools predict no significant impact on normal splicing. However, these predictions have yet to be confirmed by functional studies. The variant allele was found at a frequency of 5e-05 in 1606878 control chromosomes (gnomAD v4.1). This frequency is not significantly higher than estimated for a pathogenic variant in WNK1 causing Neuropathy, hereditary sensory and autonomic, type 2A (0.0011), allowing no conclusion about variant significance. The variant, c.2140-2518dupA (also known as c.918_919insA) has been observed in multiple individuals affected with Neuropathy, hereditary sensory and autonomic, type 2A (e.g. Lafreniere_2004). These data indicate that the variant is very likely to be associated with disease. The following publication has been ascertained in the context of this evaluation (PMID: 15060842). ClinVar contains an entry for this variant (Variation ID: 21270). Based on the evidence outlined above, the variant was classified as pathogenic.

Labcorp Genetics (formerly Invitae), Labcorp
Classification: Pathogenic for Neuropathy, hereditary sensory and autonomic, type 2A; Pseudohypoaldosteronism type 2C. Last evaluated: 2025-03-18. Review status: criteria provided, single submitter. Criteria: Invitae Variant Classification Sherloc (09022015). Collection method: clinical testing. Allele origin: germline.
Comment: This sequence change creates a premature translational stop signal (p.Ser1093Ilefs*13) in the WNK1 gene. It is expected to result in an absent or disrupted protein product. Loss-of-function variants in WNK1 are known to be pathogenic (PMID: 22910560). This variant is not present in population databases (gnomAD no frequency). This premature translational stop signal has been observed in individual(s) with autosomal recessive hereditary sensory and autonomic neuropathy (PMID: 15060842, 15911806, 28422281). In at least one individual the data is consistent with being in trans (on the opposite chromosome) from a pathogenic variant. This variant is also known as c.918dupA and c.918_919insA (p.S307Ifs*13). ClinVar contains an entry for this variant (Variation ID: 21270). For these reasons, this variant has been classified as Pathogenic.

OMIM
Classification: Pathogenic for NEUROPATHY, HEREDITARY SENSORY, TYPE IIA. Last evaluated: 2005-05-24. Review status: no assertion criteria provided. Collection method: literature only. Allele origin: germline. Not counted in ClinVar's aggregate classification.

GeneReviews
No classification provided. Condition: Neuropathy, hereditary sensory and autonomic, type 2A. Review status: no classification provided. Collection method: literature only. Allele origin: germline. Not counted in ClinVar's aggregate classification.
Comment: French Canadian founder variants

Literature cited by the submitters: PubMed 15060842 (cited by 3 submitters); PubMed 22910560 (cited by Labcorp Genetics (formerly Invitae), Labcorp); PubMed 15911806 (cited by 3 submitters); PubMed 28422281 (cited by Labcorp Genetics (formerly Invitae), Labcorp); PubMed 21089229 (cited by GeneReviews).

NM_213655.5(WNK1):c.3276dup (p.Ser1093fs)

Gene: WNK1 (WNK lysine deficient protein kinase 1; plus strand). Cytogenetic location: 12p13.33.
Variant type: Duplication.
Coding change: c.3276dup on transcript NM_213655.5 (MANE Plus Clinical); coding-DNA position 3276, one base duplicated (A; older notation c.3276dupA).
Protein change: p.Ser1093fs; shifts the reading frame from serine 1093.
Molecular consequence: frameshift variant. On other transcripts: intron variant (2).
Genome position (GRCh38, 1-based): chr12:868,747, A duplicated; the last of 2 consecutive A bases (chr12:868,746-868,747); duplicating either gives the same sequence. VCF-style (leftmost placement, unchanged base first): chr12-868745-C-CA. GRCh37 (hg19) VCF-style: chr12-977911-C-CA.
Other names: c.3276dupA (NM_213655.4, NM_213655.5); c.3021dupA (NM_001184985.1); c.3021dup, p.Ser1008fs (NM_001184985.2); c.2140-2518dup (NM_018979.4, NM_014823.3); c.2140-2518dupA (NM_018979.4); short protein forms S1008fs, S1093fs.
Identifiers: ClinVar variation 21270 (VCV000021270.10), dbSNP rs137852735, ClinGen allele CA341823.